The following is an entry in ClinVar:

ClinVar aggregate classification (germline): Uncertain significance (1 of 4 stars; one submission).

Conditions:
Glycogen storage disease IXd (GSD9D). Also called: Muscle Phosphorylase Kinase Deficiency; GSD IXd. Identifiers: Orphanet 715, MedGen C1845151, MONDO:0010362, OMIM 300559.

Submission:

Labcorp Genetics (formerly Invitae), Labcorp
Classification: Uncertain significance for Glycogen storage disease IXd. Last evaluated: 2023-08-04. Review status: criteria provided, single submitter. Criteria: Invitae Variant Classification Sherloc (09022015). Collection method: clinical testing. Allele origin: unknown.
Comment: In summary, the available evidence is currently insufficient to determine the role of this variant in disease. Therefore, it has been classified as a Variant of Uncertain Significance. This variant has not been reported in the literature in individuals affected with PHKA1-related conditions. This variant results in a copy number gain of the genomic region encompassing exon(s) 1-6 of the PHKA1 gene. This region includes the initiator codon of the gene. This copy number gain extends beyond the assayed region for this gene and therefore may encompass additional genes. As the precise location of this event is unknown, it may be in tandem or it may be located elsewhere in the genome.

NC_000023.10:g.(?_71895900)_(71933728_?)dup

Gene: PHKA1 (phosphorylase kinase regulatory subunit alpha 1; minus strand). Cytogenetic location: Xq13.2.
Variant type: Duplication.
Identifiers: ClinVar variation 3244662 (VCV003244662.1).